The following is an entry in ClinVar:

NM_000543.5(SMPD1):c.1458T>G (p.Ser486Arg)

Gene: SMPD1 (sphingomyelin phosphodiesterase 1; plus strand). Cytogenetic location: 11p15.4.
Variant type: single nucleotide variant.
Coding change: c.1458T>G on transcript NM_000543.5 (MANE Select); coding-DNA position 1458, T replaced by G.
Protein change: p.Ser486Arg; replaces serine 486 with arginine.
Molecular consequence: missense variant. On other transcripts: non-coding transcript variant (2).
Genome position (GRCh38, 1-based): chr11:6,394,013, T>G. VCF-style: chr11-6394013-T-G. GRCh37 (hg19) VCF-style: chr11-6415243-T-G.
Other names: c.1455T>G, p.Ser485Arg (NM_001007593.3); c.1458T>G, p.Ser486Arg (NM_001318087.2); c.537T>G, p.Ser179Arg (NM_001318088.2); c.1326T>G, p.Ser442Arg (NM_001365135.2); short protein forms S179R, S442R, S485R, S486R.
Identifiers: ClinVar variation 662004 (VCV000662004.17), dbSNP rs281860665, ClinGen allele CA217302419.

ClinVar aggregate classification (germline): Pathogenic. Review status: criteria provided, multiple submitters, no conflicts (2 of 4 stars). 5 submissions from 5 submitters: Pathogenic (5). Last evaluated 2025-02-03.

Conditions:
Niemann-Pick disease, type A. Also called: SPHINGOMYELIN LIPIDOSIS; SPHINGOMYELINASE DEFICIENCY; Infantile Neurovisceral ASMD (Niemann-Pick Disease Type A; NPD-A). Identifiers: Orphanet 77292, MedGen C0268242, MONDO:0009756, OMIM 257200. Disease mechanism: loss of function.
Niemann-Pick disease, type B. Also called: Chronic Visceral ASMD (Niemann-Pick Disease Type B; NPD-B). Identifiers: Orphanet 77293, MedGen C0268243, MONDO:0011871, OMIM 607616. Disease mechanism: loss of function.
Sphingomyelin/cholesterol lipidosis. Also called: Niemann-Pick disease. Identifiers: MedGen C0028064, MONDO:0001982.

gnomAD v4.1: 1 of 1,614,158 alleles (0.000062%); highest among the groups gnomAD compares: East Asian, 0.0022%; no homozygotes.

Submissions (5):

Labcorp Genetics (formerly Invitae), Labcorp
Classification: Pathogenic for Niemann-Pick disease, type B; Niemann-Pick disease, type A. Last evaluated: 2025-02-03. Review status: criteria provided, single submitter. Criteria: Invitae Variant Classification Sherloc (09022015). Collection method: clinical testing. Allele origin: germline.
Comment: This sequence change replaces serine, which is neutral and polar, with arginine, which is basic and polar, at codon 486 of the SMPD1 protein (p.Ser486Arg). This variant is not present in population databases (gnomAD no frequency). This missense change has been observed in individual(s) with Niemann-Pick disease (PMID: 23356216). In at least one individual the data is consistent with being in trans (on the opposite chromosome) from a pathogenic variant. ClinVar contains an entry for this variant (Variation ID: 662004). Invitae Evidence Modeling of protein sequence and biophysical properties (such as structural, functional, and spatial information, amino acid conservation, physicochemical variation, residue mobility, and thermodynamic stability) indicates that this missense variant is expected to disrupt SMPD1 protein function with a positive predictive value of 95%. For these reasons, this variant has been classified as Pathogenic.

Fulgent Genetics
Classification: Pathogenic for Niemann-Pick disease, type A; Niemann-Pick disease, type B. Last evaluated: 2024-05-04. Review status: criteria provided, single submitter. Criteria: ACMG Guidelines, 2015. Collection method: clinical testing. Allele origin: germline.

Baylor Genetics
Classification: Pathogenic for Niemann-Pick disease, type A. Last evaluated: 2024-02-20. Review status: criteria provided, single submitter. Criteria: ACMG Guidelines, 2015. Collection method: clinical testing. Allele origin: unknown.

Women's Health and Genetics/Laboratory Corporation of America, LabCorp
Classification: Pathogenic for Sphingomyelin/cholesterol lipidosis. Last evaluated: 2022-12-22. Review status: criteria provided, single submitter. Criteria: LabCorp Variant Classification Summary - May 2015. Collection method: clinical testing. Allele origin: germline.
Comment: Variant summary: SMPD1 c.1458T>G (p.Ser486Arg) results in a non-conservative amino acid change located in the acid sphingomyelinase/endopolyphosphatase, metallophosphatase domain (IPR041805) of the encoded protein sequence. Three of four in-silico tools predict a damaging effect of the variant on protein function. The variant was absent in 251482 control chromosomes. c.1458T>G has been reported in the literature in multiple individuals affected with Niemann-Pick Disease (e.g. Zhang_2013, McGovern_2004, Wasserstein_2006, Liu_2019, Hu_2021) and in individuals affected with Parkinson's disease (Zhao_2021). These data indicate that the variant is very likely to be associated with Niemann-Pick Disease. Enzymatic activity measured from a patient-derived sample (who was compound heterozygous for the variant and another possible pathogenic variant) show reduced activity (Zhang_2013). One clinical diagnostic laboratory has submitted clinical-significance assessments for this variant to ClinVar after 2014 without evidence for independent evaluation and classified the variant as pathogenic. Based on the evidence outlined above, the variant was classified as pathogenic.

Juno Genomics, Hangzhou Juno Genomics, Inc
Classification: Pathogenic for Niemann-Pick disease, type A; Niemann-Pick disease, type B. Review status: criteria provided, single submitter. Criteria: ACMG Guidelines, 2015. Collection method: clinical testing. Allele origin: germline.
Comment: Absent from controls (or at extremely low frequency if recessive) in Genome Aggregation Database.;Multiple lines of computational evidence support a deleterious effect on the gene or gene product.;For recessive disorders, detected in trans with a pathogenic variant.;Patient's phenotype or family history is highly specific for a disease with a single genetic etiology.

Literature cited by the submitters: PubMed 23356216 (cited by Labcorp Genetics (formerly Invitae), Labcorp and Women's Health and Genetics/Laboratory Corporation of America, LabCorp); PubMed 17011332 (cited by Women's Health and Genetics/Laboratory Corporation of America, LabCorp); PubMed 15234149 (cited by Women's Health and Genetics/Laboratory Corporation of America, LabCorp); PubMed 27435900 (cited by Women's Health and Genetics/Laboratory Corporation of America, LabCorp); PubMed 33675270 (cited by Women's Health and Genetics/Laboratory Corporation of America, LabCorp); PubMed 30912297 (cited by Women's Health and Genetics/Laboratory Corporation of America, LabCorp); PubMed 34867278 (cited by Women's Health and Genetics/Laboratory Corporation of America, LabCorp).